The following is an entry in ClinVar:

ClinVar aggregate classification (germline): Uncertain significance (1 of 4 stars; one submission).

gnomAD v4.1: 5 of 1,613,682 alleles (0.00031%); highest among the groups gnomAD compares: East Asian, 0.0089%; no homozygotes.

Submission:

Dasa
Classification: Uncertain significance. Last evaluated: 2025-08-09. Review status: criteria provided, single submitter. Criteria: DASA Assertion Criteria. Collection method: clinical testing. Allele origin: germline.
Comment: NM_001171.6(ABCC6):c.173A>G (p.His58Arg) is a missense variant that results in the substitution of histidine with arginine. This variant is rare in population databases. Computational prediction algorithms are consistent with a benign effect. The currently available literature and clinical evidence are not sufficient to establish a definitive association between this variant and the reported condition. Therefore, this variant is classified as a variant of uncertain significance.

NM_001171.6(ABCC6):c.173A>G (p.His58Arg)

Gene: ABCC6 (ATP binding cassette subfamily C member 6; minus strand). Cytogenetic location: 16p13.11.
Variant type: single nucleotide variant.
Coding change: c.173A>G on transcript NM_001171.6 (MANE Select); coding-DNA position 173, A replaced by G.
Protein change: p.His58Arg; replaces histidine 58 with arginine.
Molecular consequence: missense variant. On other transcripts: 5 prime UTR variant (1), non-coding transcript variant (4).
Genome position (GRCh38, 1-based): chr16:16,221,695, T>C on the plus strand (A>G on the coding strand, the complement: ABCC6 is on the minus strand). VCF-style: chr16-16221695-T-C. GRCh37 (hg19) VCF-style: chr16-16315552-T-C.
Other names: c.173A>G, p.His58Arg (NM_001079528.4, NM_001440309.1, NM_001440310.1); c.-201A>G (NM_001351800.1); short protein forms H58R.
Identifiers: ClinVar variation 4883231 (VCV004883231.2).